The following is an entry in ClinVar:

NM_007294.4(BRCA1):c.1424G>A (p.Ser475Asn)

Gene: BRCA1 (BRCA1 DNA repair associated; minus strand). Cytogenetic location: 17q21.31.
Variant type: single nucleotide variant.
Coding change: c.1424G>A on transcript NM_007294.4 (MANE Select); coding-DNA position 1424, G replaced by A.
Protein change: p.Ser475Asn; replaces serine 475 with asparagine.
Molecular consequence: missense variant. On other transcripts: intron variant (137).
Genome position (GRCh38, 1-based): chr17:43,094,107, C>T on the plus strand (G>A on the coding strand, the complement: BRCA1 is on the minus strand). VCF-style: chr17-43094107-C-T. GRCh37 (hg19) VCF-style: chr17-41246124-C-T.
Other names: c.1211G>A, p.Ser404Asn (NM_001407571.1, NM_001407853.1, NM_001407894.1 and 9 more transcripts); c.1424G>A, p.Ser475Asn (NM_001407581.1, NM_001407582.1, NM_001407583.1 and 30 more transcripts); c.1421G>A, p.Ser474Asn (NM_001407587.1, NM_001407590.1, NM_001407591.1 and 22 more transcripts); c.1415G>A, p.Ser472Asn (NM_001407646.1, NM_001407647.1); c.1301G>A, p.Ser434Asn (NM_001407648.1, NM_001407664.1, NM_001407665.1 and 19 more transcripts); c.1298G>A, p.Ser433Asn (NM_001407649.1, NM_001407670.1, NM_001407671.1 and 11 more transcripts); c.1346G>A, p.Ser449Asn (NM_001407653.1, NM_001407654.1, NM_001407655.1 and 4 more transcripts); c.1343G>A, p.Ser448Asn (NM_001407659.1, NM_001407660.1, NM_001407661.1 and 1 more transcripts); and 40 more; short protein forms S475N, S428N, S307N, S404N, S405N, S427N, S434N, S448N.
Identifiers: ClinVar variation 645043 (VCV000645043.11), dbSNP rs1567799668, ClinGen allele CA10599199.

ClinVar aggregate classification (germline): Conflicting classifications of pathogenicity. Review status: criteria provided, conflicting classifications (1 of 4 stars). 3 submissions from 3 submitters: Uncertain significance (2); Likely benign (1). Last evaluated 2023-03-23.

Conditions:
Hereditary breast ovarian cancer syndrome. Also called: Hereditary breast and ovarian cancer; Hereditary breast and ovarian cancer syndrome; Breast and ovarian cancer; Hereditary breast and/or ovarian cancer syndrome; BRCA1- and BRCA2-Associated Hereditary Breast and Ovarian Cancer; Hereditary breast and ovarian cancer syndrome (HBOC). Identifiers: Orphanet 145, MedGen C0677776, MeSH D061325, MONDO:0003582. Disease mechanism: loss of function.
Hereditary cancer-predisposing syndrome. Also called: Tumor predisposition; Neoplastic Syndromes, Hereditary; Hereditary Cancer Syndrome; Hereditary neoplastic syndrome. Identifiers: Orphanet 140162, MedGen C0027672, MeSH D009386, MONDO:0015356.

Submissions (3):

University of Washington Department of Laboratory Medicine, University of Washington
Classification: Likely benign for Hereditary cancer-predisposing syndrome. Last evaluated: 2023-03-23. Review status: criteria provided, single submitter. Criteria: Dines et al. (Genet Med. 2020). Collection method: curation. Allele origin: germline.
Comment: Missense variant in a coldspot region where missense variants are very unlikely to be pathogenic (PMID:31911673).

BRCA1 coldspot (exon 11 using historical exon numbering). Reclassification based on statistical prior probability

Blueprint Genetics
Classification: Uncertain significance. Last evaluated: 2022-06-03. Review status: criteria provided, single submitter. Criteria: ACMG Guidelines, 2015. Collection method: clinical testing. Allele origin: germline.

Labcorp Genetics (formerly Invitae), Labcorp
Classification: Uncertain significance for Hereditary breast ovarian cancer syndrome. Last evaluated: 2021-08-19. Review status: criteria provided, single submitter. Criteria: Invitae Variant Classification Sherloc (09022015). Collection method: clinical testing. Allele origin: germline.
Comment: Algorithms developed to predict the effect of missense changes on protein structure and function output the following: SIFT: "Tolerated"; PolyPhen-2: "Possibly Damaging"; Align-GVGD: "Class C0". The asparagine amino acid residue is found in multiple mammalian species, suggesting that this missense change does not adversely affect protein function. These predictions have not been confirmed by published functional studies and their clinical significance is uncertain. This variant has not been reported in the literature in individuals with BRCA1-related disease. This sequence change replaces serine with asparagine at codon 475 of the BRCA1 protein (p.Ser475Asn). The serine residue is moderately conserved and there is a small physicochemical difference between serine and asparagine. This variant is not present in population databases (ExAC no frequency). In summary, the available evidence is currently insufficient to determine the role of this variant in disease. Therefore, it has been classified as a Variant of Uncertain Significance.